The following is an entry in ClinVar:

NM_000507.4(FBP1):c.127A>T (p.Lys43Ter)

Gene: FBP1 (fructose-bisphosphatase 1; minus strand). Cytogenetic location: 9q22.32.
Variant type: single nucleotide variant.
Coding change: c.127A>T on transcript NM_000507.4 (MANE Select); coding-DNA position 127, A replaced by T.
Protein change: p.Lys43Ter; replaces lysine 43 with a stop codon.
Molecular consequence: nonsense.
Genome position (GRCh38, 1-based): chr9:94,639,184, T>A on the plus strand (A>T on the coding strand, the complement: FBP1 is on the minus strand). VCF-style: chr9-94639184-T-A. GRCh37 (hg19) VCF-style: chr9-97401466-T-A.
Other names: c.127A>T, p.Lys43Ter (NM_001127628.2); short protein forms K43*.
Identifiers: ClinVar variation 1453508 (VCV001453508.6), dbSNP rs2131509216, ClinGen allele CA374335077.

ClinVar aggregate classification (germline): Pathogenic (1 of 4 stars; one submission).

Conditions:
Fructose-biphosphatase deficiency (FBP1D). Also called: Fructose-1,6-Diphosphatase Deficiency; Fructose 1,6 Bisphosphatase Deficiency; Fructose-1,6-Bisphosphatase 1 Deficiency. Identifiers: Orphanet 348, MedGen C0016756, MONDO:0009251, OMIM 229700.

Submission:

Labcorp Genetics (formerly Invitae), Labcorp
Classification: Pathogenic for Fructose-biphosphatase deficiency. Last evaluated: 2021-05-25. Review status: criteria provided, single submitter. Criteria: Invitae Variant Classification Sherloc (09022015). Collection method: clinical testing. Allele origin: germline.
Comment: For these reasons, this variant has been classified as Pathogenic. This variant has not been reported in the literature in individuals with FBP1-related conditions. This variant is not present in population databases (ExAC no frequency). This sequence change creates a premature translational stop signal (p.Lys43*) in the FBP1 gene. It is expected to result in an absent or disrupted protein product. Loss-of-function variants in FBP1 are known to be pathogenic (PMID: 9382095, 19259699, 27101822).

Literature cited by the submitters: PubMed 9382095; PubMed 19259699; PubMed 27101822.